The following is an entry in ClinVar:

NM_003119.4(SPG7):c.1350C>A (p.Ile450=)

Gene: SPG7 (SPG7 matrix AAA peptidase subunit, paraplegin; plus strand). Cytogenetic location: 16q24.3.
Variant type: single nucleotide variant.
Coding change: c.1350C>A on transcript NM_003119.4 (MANE Select); coding-DNA position 1350, C replaced by A.
Protein change: p.Ile450=; no amino-acid change (isoleucine 450 retained).
Molecular consequence: synonymous variant.
Genome position (GRCh38, 1-based): chr16:89,544,673, C>A. VCF-style: chr16-89544673-C-A. GRCh37 (hg19) VCF-style: chr16-89611081-C-A.
Other names: c.1350C>A, p.Ile450= (NM_001363850.1).
Identifiers: ClinVar variation 2647110 (VCV002647110.26), dbSNP rs145124867, ClinGen allele CA8244154.

ClinVar aggregate classification (germline): Likely benign. Review status: criteria provided, multiple submitters, no conflicts (2 of 4 stars). 3 submissions from 3 submitters: Likely benign (3). Last evaluated 2025-11-06.

Conditions:
Hereditary spastic paraplegia 7 (SPG7). Also called: Spastic paraplegia 7; Hereditary spastic paraplegia Paraplegin type; Autosomal recessive spastic paraplegia type 7; SPASTIC PARAPLEGIA 7, AUTOSOMAL RECESSIVE, WITH OR WITHOUT CEREBELLAR ATAXIA; SPG7-related neurologic disorder. Identifiers: Orphanet 99013, MedGen C1846564, MONDO:0011803, OMIM 607259.

gnomAD v4.1: 25 of 1,613,994 alleles (0.0015%); highest among the groups gnomAD compares: Middle Eastern, 0.016%; no homozygotes.

Submissions (3):

Labcorp Genetics (formerly Invitae), Labcorp
Classification: Likely benign for Hereditary spastic paraplegia 7. Last evaluated: 2025-11-06. Review status: criteria provided, single submitter. Criteria: Invitae Variant Classification Sherloc (09022015). Collection method: clinical testing. Allele origin: germline.

Women's Health and Genetics/Laboratory Corporation of America, LabCorp
Classification: Likely benign. Last evaluated: 2025-10-08. Review status: criteria provided, single submitter. Criteria: LabCorp Variant Classification Summary - May 2015. Collection method: clinical testing. Allele origin: germline.

CeGaT Center for Human Genetics Tuebingen
Classification: Likely benign. Last evaluated: 2022-04-01. Review status: criteria provided, single submitter. Criteria: CeGaT Center For Human Genetics Tuebingen Variant Classification Criteria Version 2. Collection method: clinical testing. Allele origin: germline. Affected: yes. Observed: 1 variant allele.
Comment: SPG7: BP4, BP7